The following is an entry in ClinVar:

ClinVar aggregate classification (germline): Uncertain significance (1 of 4 stars; one submission).

Allele frequency attached by ClinVar (database versions not stated): gnomAD exomes below 0.00001; TOPMed below 0.00001; ESP Exome Variant Server 0.00008.
gnomAD v4.1: 1 of 1,614,176 alleles (0.000062%); highest among the groups gnomAD compares: Non-Finnish European, 0.000085%; no homozygotes.

Submission:

Labcorp Genetics (formerly Invitae), Labcorp
Classification: Uncertain significance. Last evaluated: 2022-11-20. Review status: criteria provided, single submitter. Criteria: Invitae Variant Classification Sherloc (09022015). Collection method: clinical testing. Allele origin: germline.
Comment: Algorithms developed to predict the effect of missense changes on protein structure and function are either unavailable or do not agree on the potential impact of this missense change (SIFT: "Deleterious"; PolyPhen-2: "Possibly Damaging"; Align-GVGD: "Class C0"). In summary, the available evidence is currently insufficient to determine the role of this variant in disease. Therefore, it has been classified as a Variant of Uncertain Significance. This variant has not been reported in the literature in individuals affected with ARHGEF1-related conditions. This variant is not present in population databases (gnomAD no frequency). This sequence change replaces arginine, which is basic and polar, with tryptophan, which is neutral and slightly polar, at codon 496 of the ARHGEF1 protein (p.Arg496Trp).

NM_004706.4(ARHGEF1):c.1441C>T (p.Arg481Trp)

Gene: ARHGEF1 (Rho guanine nucleotide exchange factor 1; plus strand). Cytogenetic location: 19q13.2.
Variant type: single nucleotide variant.
Coding change: c.1441C>T on transcript NM_004706.4 (MANE Select); coding-DNA position 1441, C replaced by T.
Protein change: p.Arg481Trp; replaces arginine 481 with tryptophan.
Molecular consequence: missense variant. On other transcripts: non-coding transcript variant (2).
Genome position (GRCh38, 1-based): chr19:41,902,300, C>T. VCF-style: chr19-41902300-C-T. GRCh37 (hg19) VCF-style: chr19-42406450-C-T.
Other names: c.1609C>T, p.Arg537Trp (NM_001396000.1); c.1342C>T, p.Arg448Trp (NM_001396002.1, NM_001396004.1, NM_198977.2); c.1441C>T, p.Arg481Trp (NM_001396003.1, NM_001396006.1); c.1486C>T, p.Arg496Trp (NM_199002.2); short protein forms R537W, R448W, R481W, R496W.
Identifiers: ClinVar variation 2815425 (VCV002815425.3), dbSNP rs375512672, ClinGen allele CA308591462.
Genomic context (GRCh38, chr19:41,902,300, plus strand): 5'-CTGGTGGAGCATCCCTTTCCTCCTGCCCCCACAGCCCTGTTCCTCGATCGCCTGATGAAG[C>T]GGAGGCAGGAGAGTGGCTACCTCATCGAGGAGATCGGAGACGTGCTGCTGGCCCGGGTGA-3'
Protein context (NP_004697.2, residues 471-491): HSLFLDRLMK[Arg481Trp]RQESGYLIEE